The following is an entry in ClinVar:

NM_004928.3(CFAP410):c.763G>A (p.Ala255Thr)

Gene: CFAP410 (cilia and flagella associated protein 410; minus strand). Cytogenetic location: 21q22.3.
Variant type: single nucleotide variant.
Coding change: c.763G>A on transcript NM_004928.3 (MANE Select); coding-DNA position 763, G replaced by A.
Protein change: p.Ala255Thr; replaces alanine 255 with threonine.
Molecular consequence: missense variant.
Genome position (GRCh38, 1-based): chr21:44,330,206, C>T on the plus strand (G>A on the coding strand, the complement: CFAP410 is on the minus strand). VCF-style: chr21-44330206-C-T. GRCh37 (hg19) VCF-style: chr21-45750089-C-T.
Other names: c.760G>A, p.Ala254Thr (NM_001271440.2); c.1120G>A, p.Ala374Thr (NM_001271441.2); c.637G>A, p.Ala213Thr (NM_001271442.1); short protein forms A255T, A213T, A254T, A374T.
Identifiers: ClinVar variation 546908 (VCV000546908.54), dbSNP rs141195315, ClinGen allele CA10053464.

ClinVar aggregate classification (germline): Conflicting classifications of pathogenicity. Review status: criteria provided, conflicting classifications (1 of 4 stars). 4 submissions from 4 submitters: Uncertain significance (1); Likely benign (2). 1 of the submissions does not count toward it. Last evaluated 2025-12-30.

Conditions:
CFAP410-related disorder. Also called: CFAP410-related condition.

Allele frequency attached by ClinVar (database versions not stated): 1000 Genomes Project 30x 0.00016; 1000 Genomes Project 0.00020; gnomAD exomes 0.00064 and 0.00145; gnomAD 0.00068 and 0.00074; TOPMed 0.00079; ExAC 0.00130; ESP Exome Variant Server 0.00140.
gnomAD v4.1: 2,131 of 1,568,058 alleles (0.14%); highest among the groups gnomAD compares: Non-Finnish European, 0.17%; 3 homozygotes.

Submissions (4):

Labcorp Genetics (formerly Invitae), Labcorp
Classification: Likely benign. Last evaluated: 2025-12-30. Review status: criteria provided, single submitter. Criteria: Invitae Variant Classification Sherloc (09022015). Collection method: clinical testing. Allele origin: germline.

Blueprint Genetics
Classification: Likely benign. Last evaluated: 2024-11-06. Review status: criteria provided, single submitter. Criteria: ACMG Guidelines, 2015. Collection method: clinical testing. Allele origin: germline.

CeGaT Center for Human Genetics Tuebingen
Classification: Uncertain significance. Last evaluated: 2017-12-01. Review status: criteria provided, single submitter. Criteria: CeGaT Center For Human Genetics Tuebingen Variant Classification Criteria Version 2. Collection method: clinical testing. Allele origin: germline. Affected: yes. Observed: 1 variant allele.

PreventionGenetics, part of Exact Sciences
Classification: Likely benign for CFAP410-related condition. Last evaluated: 2024-09-05. Review status: no assertion criteria provided. Collection method: clinical testing. Allele origin: germline. Not counted in ClinVar's aggregate classification.
Comment: This variant is classified as likely benign based on ACMG/AMP sequence variant interpretation guidelines (Richards et al. 2015 PMID: 25741868, with internal and published modifications).